The following is an entry in ClinVar:

ClinVar aggregate classification (germline): Uncertain significance (1 of 4 stars; one submission).

Allele frequency attached by ClinVar (database versions not stated): gnomAD exomes below 0.00001.

Submission:

Labcorp Genetics (formerly Invitae), Labcorp
Classification: Uncertain significance. Last evaluated: 2023-04-18. Review status: criteria provided, single submitter. Criteria: Invitae Variant Classification Sherloc (09022015). Collection method: clinical testing. Allele origin: germline.
Comment: In summary, the available evidence is currently insufficient to determine the role of this variant in disease. Therefore, it has been classified as a Variant of Uncertain Significance. Algorithms developed to predict the effect of sequence changes on RNA splicing suggest that this variant may disrupt the consensus splice site. This variant has not been reported in the literature in individuals affected with TUBB1-related conditions. This variant is present in population databases (no rsID available, gnomAD 0.003%). This sequence change affects a donor splice site in intron 2 of the TUBB1 gene. It is expected to disrupt RNA splicing. Variants that disrupt the donor or acceptor splice site typically lead to a loss of protein function (PMID: 16199547), however the current clinical and genetic evidence is not sufficient to establish whether loss-of-function variants in TUBB1 cause disease.

Literature cited by the submitters: PubMed 16199547.

NM_030773.4(TUBB1):c.166+2T>C

Gene: TUBB1 (tubulin beta 1 class VI; plus strand). Cytogenetic location: 20q13.32.
Variant type: single nucleotide variant.
Coding change: c.166+2T>C on transcript NM_030773.4 (MANE Select); the canonical splice donor site of the intron after coding-DNA position 166, T replaced by C.
Molecular consequence: splice donor variant.
Genome position (GRCh38, 1-based): chr20:59,022,955, T>C. VCF-style: chr20-59022955-T-C. GRCh37 (hg19) VCF-style: chr20-57598010-T-C.
Identifiers: ClinVar variation 2795020 (VCV002795020.3), dbSNP rs1196074416, ClinGen allele CA409466330.
Genomic context (GRCh38, chr20:59,022,955, plus strand): 5'-CCGCGGGGCCTCGGCCTTGCAGCTGGAGAGAATCAGCGTGTACTACAACGAAGCCTACGG[T>C]AGGACTGGCGGGGCTCTGGGAGCAGTGGTCCCGCAACTGGGAACACAAGCAGAGGAAGGG-3'